The following is an entry in ClinVar:

ClinVar aggregate classification (germline): Uncertain significance. Review status: criteria provided, multiple submitters, no conflicts (2 of 4 stars). 2 submissions from 2 submitters: Uncertain significance (2). Last evaluated 2025-08-26.

Conditions:
Epileptic encephalopathy. Identifiers: MedGen C0543888, HP:0200134.

Allele frequency attached by ClinVar (database versions not stated): gnomAD exomes below 0.00001; gnomAD 0.00001.
gnomAD v4.1: 2 of 1,613,356 alleles (0.00012%); highest among the groups gnomAD compares: Admixed American, 0.0033%; no homozygotes.

Submissions (2):

Ambry Genetics
Classification: Uncertain significance. Last evaluated: 2025-08-26. Review status: criteria provided, single submitter. Criteria: Ambry Variant Classification Scheme 2023. Collection method: clinical testing. Allele origin: germline.

Labcorp Genetics (formerly Invitae), Labcorp
Classification: Uncertain significance for Epileptic encephalopathy. Last evaluated: 2021-03-01. Review status: criteria provided, single submitter. Criteria: Invitae Variant Classification Sherloc (09022015). Collection method: clinical testing. Allele origin: germline.
Comment: This sequence change replaces aspartic acid with glutamic acid at codon 1920 of the RYR3 protein (p.Asp1920Glu). The aspartic acid residue is highly conserved and there is a small physicochemical difference between aspartic acid and glutamic acid. This variant is not present in population databases (ExAC no frequency). This variant has not been reported in the literature in individuals with RYR3-related conditions. Algorithms developed to predict the effect of missense changes on protein structure and function are either unavailable or do not agree on the potential impact of this missense change (SIFT: "Deleterious"; PolyPhen-2: "Benign"; Align-GVGD: "Class C35"). In summary, the available evidence is currently insufficient to determine the role of this variant in disease. Therefore, it has been classified as a Variant of Uncertain Significance.

NM_001036.6(RYR3):c.5760C>A (p.Asp1920Glu)

Gene: RYR3 (ryanodine receptor 3; plus strand). Cytogenetic location: 15q14.
Variant type: single nucleotide variant.
Coding change: c.5760C>A on transcript NM_001036.6 (MANE Select); coding-DNA position 5760, C replaced by A.
Protein change: p.Asp1920Glu; replaces aspartic acid 1920 with glutamic acid.
Molecular consequence: missense variant.
Genome position (GRCh38, 1-based): chr15:33,670,456, C>A. VCF-style: chr15-33670456-C-A. GRCh37 (hg19) VCF-style: chr15-33962657-C-A.
Other names: c.5760C>A (NM_001036.3); c.5760C>A, p.Asp1920Glu (NM_001243996.4); short protein forms D1920E.
Identifiers: ClinVar variation 1015417 (VCV001015417.9), dbSNP rs1372401398, ClinGen allele CA391577620.